The following is an entry in ClinVar:

ClinVar aggregate classification (germline): Uncertain significance (1 of 4 stars; one submission).

Allele frequency attached by ClinVar (database versions not stated): ExAC 0.00001.
gnomAD v4.1: 16 of 1,589,088 alleles (0.001%); highest among the groups gnomAD compares: Non-Finnish European, 0.0014%; no homozygotes.

Submission:

Labcorp Genetics (formerly Invitae), Labcorp
Classification: Uncertain significance. Last evaluated: 2023-01-19. Review status: criteria provided, single submitter. Criteria: Invitae Variant Classification Sherloc (09022015). Collection method: clinical testing. Allele origin: germline.
Comment: In summary, the available evidence is currently insufficient to determine the role of this variant in disease. Therefore, it has been classified as a Variant of Uncertain Significance. Advanced modeling of protein sequence and biophysical properties (such as structural, functional, and spatial information, amino acid conservation, physicochemical variation, residue mobility, and thermodynamic stability) performed at Invitae indicates that this missense variant is not expected to disrupt VPS13C protein function. This variant has not been reported in the literature in individuals affected with VPS13C-related conditions. This variant is present in population databases (rs771269843, gnomAD 0.0009%). This sequence change replaces leucine, which is neutral and non-polar, with methionine, which is neutral and non-polar, at codon 534 of the VPS13C protein (p.Leu534Met).

NM_020821.3(VPS13C):c.1600C>A (p.Leu534Met)

Gene: VPS13C (vacuolar protein sorting 13 homolog C; minus strand). Cytogenetic location: 15q22.2.
Variant type: single nucleotide variant.
Coding change: c.1600C>A on transcript NM_020821.3 (MANE Select); coding-DNA position 1600, C replaced by A.
Protein change: p.Leu534Met; replaces leucine 534 with methionine.
Molecular consequence: missense variant.
Genome position (GRCh38, 1-based): chr15:61,984,978, G>T on the plus strand (C>A on the coding strand, the complement: VPS13C is on the minus strand). VCF-style: chr15-61984978-G-T. GRCh37 (hg19) VCF-style: chr15-62277177-G-T.
Other names: c.1600C>A, p.Leu534Met (NM_001018088.3); c.1471C>A, p.Leu491Met (NM_017684.5, NM_018080.4); short protein forms L491M, L534M.
Identifiers: ClinVar variation 2805218 (VCV002805218.3), dbSNP rs771269843, ClinGen allele CA7596983.
Genomic context (GRCh38, chr15:61,984,978, plus strand): 5'-TTAGTATTTCTGGAATATTCTTGTTTTCTCTTATCGTAACAGAGGTGCTTACTAACTTCA[G>T]GGTCATAATATGGGCAACATACTATACAGAAAGAATGAAATTAAAATTGTTAAAGTTTAA-3'
Protein context (NP_065872.1, residues 524-544): PKQYVAHIMT[Leu534Met]KLVSTSVTIR